The following is an entry in ClinVar:

ClinVar aggregate classification (germline): Uncertain significance (1 of 4 stars; one submission).

Submission:

Labcorp Genetics (formerly Invitae), Labcorp
Classification: Uncertain significance. Last evaluated: 2024-06-11. Review status: criteria provided, single submitter. Criteria: Invitae Variant Classification Sherloc (09022015). Collection method: clinical testing. Allele origin: germline.
Comment: This sequence change replaces serine, which is neutral and polar, with threonine, which is neutral and polar, at codon 383 of the UNC80 protein (p.Ser383Thr). This variant is not present in population databases (gnomAD no frequency). This variant has not been reported in the literature in individuals affected with UNC80-related conditions. An algorithm developed to predict the effect of missense changes on protein structure and function (PolyPhen-2) suggests that this variant is likely to be disruptive. In summary, the available evidence is currently insufficient to determine the role of this variant in disease. Therefore, it has been classified as a Variant of Uncertain Significance.

NM_001371986.1(UNC80):c.1148G>C (p.Ser383Thr)

Gene: UNC80 (unc-80 subunit of NALCN channel complex; plus strand). Cytogenetic location: 2q34.
Variant type: single nucleotide variant.
Coding change: c.1148G>C on transcript NM_001371986.1 (MANE Select); coding-DNA position 1148, G replaced by C.
Protein change: p.Ser383Thr; replaces serine 383 with threonine.
Molecular consequence: missense variant.
Genome position (GRCh38, 1-based): chr2:209,813,789, G>C. VCF-style: chr2-209813789-G-C. GRCh37 (hg19) VCF-style: chr2-210678513-G-C.
Other names: c.1148G>C, p.Ser383Thr (NM_032504.2, NM_182587.4); short protein forms S383T.
Identifiers: ClinVar variation 3645840 (VCV003645840.2).
Genomic context (GRCh38, chr2:209,813,789, plus strand): 5'-TGGAAGAGAAGCCAGAAAAGCCTCCGGAGCCAGATATTCCTCTCCTGCCCAGACCCAGGA[G>C]TAGCTCCATGGTGGCAGCAGCTCCCTCACTAGTGAACACCCACAAAACCCAAGTAAGAAA-3'
Protein context (NP_001358915.1, residues 373-393): PDIPLLPRPR[Ser383Thr]SSMVAAAPSL